The following is an entry in ClinVar:

NM_000540.3(RYR1):c.4953G>C (p.Glu1651Asp)

Gene: RYR1 (ryanodine receptor 1; plus strand). Cytogenetic location: 19q13.2.
Variant type: single nucleotide variant.
Coding change: c.4953G>C on transcript NM_000540.3 (MANE Select); coding-DNA position 4953, G replaced by C.
Protein change: p.Glu1651Asp; replaces glutamic acid 1651 with aspartic acid.
Molecular consequence: missense variant.
Genome position (GRCh38, 1-based): chr19:38,485,608, G>C. VCF-style: chr19-38485608-G-C. GRCh37 (hg19) VCF-style: chr19-38976248-G-C.
Other names: c.4953G>C, p.Glu1651Asp (NM_001042723.2); short protein forms E1651D.
Identifiers: ClinVar variation 3069713 (VCV003069713.3), dbSNP rs777917861, ClinGen allele CA405652533.

ClinVar aggregate classification (germline): Uncertain significance. Review status: criteria provided, multiple submitters, no conflicts (2 of 4 stars). 2 submissions from 2 submitters: Uncertain significance (2). Last evaluated 2024-08-07.

Conditions:
Malignant hyperthermia, susceptibility to, 1 (MHS1). Also called: RYR1-Related Malignant Hyperthermia Susceptibility; Anesthesia related hyperthermia; Malignant hyperpyrexia; Fulminating hyperpyrexia; Pharmacogenic myopathy; Malignant hyperthermia suceptibility 1. Identifiers: Orphanet 423, MedGen C2930980, MONDO:0007783, OMIM 145600.

Allele frequency attached by ClinVar (database versions not stated): TOPMed below 0.00001.

Submissions (2):

All of Us Research Program, National Institutes of Health
Classification: Uncertain significance for Malignant hyperthermia, susceptibility to, 1. Last evaluated: 2024-08-07. Review status: criteria provided, single submitter. Criteria: ACMG Guidelines, 2015. Collection method: clinical testing. Allele origin: germline. Inheritance: Autosomal dominant inheritance. Observed: 4 variant alleles, 4 heterozygotes.
Comment: This missense variant replaces glutamic acid with aspartic acid at codon 1651 of the RYR1 protein. Computational prediction suggests that this variant may have deleterious impact on protein structure and function (internally defined REVEL score threshold >= 0.7, PMID: 27666373). To our knowledge, functional studies have not been reported for this variant. This variant has not been reported in individuals affected with RYR1-related disorders in the literature. This variant has not been identified in the general population by the Genome Aggregation Database (gnomAD). The available evidence is insufficient to determine the role of this variant in disease conclusively. Therefore, this variant is classified as a Variant of Uncertain Significance.

This study involves interpretation of variants in research participants for the purpose of population health screening. Participant phenotype was not available at the time of variant classification. Additional details can be found in publication PMID: 35346344, PMCID: PMC8962531

Color Diagnostics, LLC DBA Color Health
Classification: Uncertain significance for Malignant hyperthermia, susceptibility to, 1. Last evaluated: 2024-03-07. Review status: criteria provided, single submitter. Criteria: ACMG Guidelines, 2015. Collection method: clinical testing. Allele origin: germline.
Comment: This missense variant replaces glutamic acid with aspartic acid at codon 1651 of the RYR1 protein. Computational prediction suggests that this variant may have deleterious impact on protein structure and function. To our knowledge, functional studies have not been reported for this variant. This variant has not been reported in individuals affected with RYR1-related disorders in the literature. This variant has not been identified in the general population by the Genome Aggregation Database (gnomAD). The available evidence is insufficient to determine the role of this variant in disease conclusively. Therefore, this variant is classified as a Variant of Uncertain Significance.